The following is an entry in ClinVar:

ClinVar aggregate classification (germline): Conflicting classifications of pathogenicity. Review status: criteria provided, conflicting classifications (1 of 4 stars). 8 submissions from 6 submitters: Uncertain significance (5); Likely benign (2). 1 of the submissions does not count toward it. Last evaluated 2024-12-27.

Conditions:
Familial Mediterranean fever, autosomal dominant. Also called: Dominant Familial Mediterranean Fever; FMF, AUTOSOMAL DOMINANT. Identifiers: Orphanet 342, MedGen C1851347, MONDO:0007601, OMIM 134610.
Acute febrile neutrophilic dermatosis (AFND). Also called: Sweet Syndrome; Gomm Button disease. Identifiers: Orphanet 3243, MedGen C0085077, MONDO:0011959, OMIM 608068.
Familial Mediterranean fever (FMF). Also called: POLYSEROSITIS, FAMILIAL PAROXYSMAL; POLYSEROSITIS, RECURRENT; Periodic peritonitis; Benign paroxysmal peritonitis. Identifiers: Orphanet 342, MedGen C0031069, MONDO:0018088, OMIM 249100. Disease mechanism: gain of function.

Allele frequency attached by ClinVar (database versions not stated): ExAC 0.00002; TOPMed 0.00003; gnomAD exomes 0.00007 and 0.00003; gnomAD 0.00002.
gnomAD v4.1: 104 of 1,614,100 alleles (0.0064%); highest among the groups gnomAD compares: Admixed American, 0.012%; no homozygotes.

Submissions (8):

ARUP Laboratories, Molecular Genetics and Genomics, ARUP Laboratories
Classification: Uncertain significance. Last evaluated: 2024-12-27. Review status: criteria provided, single submitter. Criteria: ARUP Molecular Germline Variant Investigation Process 2024. Collection method: clinical testing. Allele origin: germline.
Comment: The MEFV c.2146A>G; p.Lys716Glu variant (rs746092199), to our knowledge, is not reported in the medical literature but is reported in ClinVar (Variation ID: 234366). This variant is found in the general population with an overall allele frequency of 0.003% (7/251,490 alleles) in the Genome Aggregation Database (v2.1.1). Computational analyses predict that this variant is neutral (REVEL: 0.113). However, given the lack of clinical and functional data, the significance of this variant is uncertain at this time.

Labcorp Genetics (formerly Invitae), Labcorp
Classification: Uncertain significance for Familial Mediterranean fever. Last evaluated: 2024-10-22. Review status: criteria provided, single submitter. Criteria: Invitae Variant Classification Sherloc (09022015). Collection method: clinical testing. Allele origin: germline.
Comment: This sequence change replaces lysine, which is basic and polar, with glutamic acid, which is acidic and polar, at codon 716 of the MEFV protein (p.Lys716Glu). This variant is present in population databases (rs746092199, gnomAD 0.01%). This variant has not been reported in the literature in individuals affected with MEFV-related conditions. ClinVar contains an entry for this variant (Variation ID: 234366). An algorithm developed to predict the effect of missense changes on protein structure and function (PolyPhen-2) suggests that this variant¬†is likely to be tolerated. In summary, the available evidence is currently insufficient to determine the role of this variant in disease. Therefore, it has been classified as a Variant of Uncertain Significance.

Women's Health and Genetics/Laboratory Corporation of America, LabCorp
Classification: Uncertain significance. Last evaluated: 2024-04-18. Review status: criteria provided, single submitter. Criteria: LabCorp Variant Classification Summary - May 2015. Collection method: clinical testing. Allele origin: germline.
Comment: Variant summary: MEFV c.2146A>G (p.Lys716Glu) results in a conservative amino acid change located in the B30.2/SPRY domain (IPR001870) of the encoded protein sequence. Five of five in-silico tools predict a benign effect of the variant on protein function. The variant allele was found at a frequency of 2.8e-05 in 251490 control chromosomes. The available data on variant occurrences in the general population are insufficient to allow any conclusion about variant significance. To our knowledge, no occurrence of c.2146A>G in individuals affected with Familial Mediterranean Fever and no experimental evidence demonstrating its impact on protein function have been reported. The following publication have been ascertained in the context of this evaluation (PMID: 28421071). ClinVar contains an entry for this variant (Variation ID: 234366). Based on the evidence outlined above, the variant was classified as uncertain significance.

Genome-Nilou Lab
Classification: Uncertain significance for Familial Mediterranean fever. Last evaluated: 2023-02-08. Review status: criteria provided, single submitter. Criteria: ACMG Guidelines, 2015. Collection method: clinical testing. Allele origin: germline.

Genome-Nilou Lab
Classification: Likely benign for Familial Mediterranean fever, autosomal dominant. Last evaluated: 2023-02-08. Review status: criteria provided, single submitter. Criteria: ACMG Guidelines, 2015. Collection method: clinical testing. Allele origin: germline.

Genome-Nilou Lab
Classification: Likely benign for Acute febrile neutrophilic dermatosis. Last evaluated: 2023-02-08. Review status: criteria provided, single submitter. Criteria: ACMG Guidelines, 2015. Collection method: clinical testing. Allele origin: germline.

GeneDx
Classification: Uncertain significance. Last evaluated: 2014-03-24. Review status: criteria provided, single submitter. Criteria: GeneDx Variant Classification (06012015). Collection method: clinical testing. Allele origin: germline. Affected: yes.
Comment: The K716E variant has not been published as a mutation, nor has it been reported as a benign polymorphism to our knowledge. The K716E variant was not observed in approximately 6,500 individuals of European and African American ancestry in the NHLBI Exome Sequencing Project, indicating it is not a common benign variant in these populations. The K716E variant is a non-conservative amino acid substitution, which is likely to impact secondary protein structure as these residues differ in polarity, charge, size and/or other properties. This substitution occurs at a position that is not conserved across species and in silico analysis predicts this variant likely does not alter the protein structure/function. However, a missense mutation at this residue (K716M) has been reported in the Human Gene Mutation Database in association with FMF (Stenson et al., 2009), supporting the functional importance of this region of the protein. Therefore, based on the currently available information, it is unclear whether this variant is a pathogenic mutation or a rare benign variant.

Natera, Inc.
Classification: Uncertain significance for Familial Mediterranean fever. Last evaluated: 2019-10-28. Review status: no assertion criteria provided. Collection method: clinical testing. Allele origin: germline. Not counted in ClinVar's aggregate classification.

Literature cited by the submitters: PubMed 28421071 (cited by Women's Health and Genetics/Laboratory Corporation of America, LabCorp).

NM_000243.3(MEFV):c.2146A>G (p.Lys716Glu)

Genes: MEFV (MEFV innate immunity regulator, pyrin; minus strand), LOC126862264 (CDK7 strongly-dependent group 2 enhancer GRCh37_chr16:3293322-3294521; plus strand). Cytogenetic location: 16p13.3.
Variant type: single nucleotide variant.
Coding change: c.2146A>G on transcript NM_000243.3 (MANE Select); coding-DNA position 2146, A replaced by G.
Protein change: p.Lys716Glu; replaces lysine 716 with glutamic acid.
Molecular consequence: missense variant. On other transcripts: 3 prime UTR variant (1).
Genome position (GRCh38, 1-based): chr16:3,243,341, T>C on the plus strand (A>G on the coding strand, the complement: MEFV is on the minus strand). VCF-style: chr16-3243341-T-C. GRCh37 (hg19) VCF-style: chr16-3293341-T-C.
Other names: c.*350A>G (NM_001198536.2); short protein forms K716E.
Identifiers: ClinVar variation 234366 (VCV000234366.14), dbSNP rs746092199, ClinGen allele CA7859868.